The following is an entry in ClinVar:

ClinVar aggregate classification (germline): Uncertain significance (1 of 4 stars; one submission).

Submission:

Ambry Genetics
Classification: Uncertain significance. Last evaluated: 2022-12-15. Review status: criteria provided, single submitter. Criteria: Ambry Variant Classification Scheme 2023. Collection method: clinical testing. Allele origin: germline.
Comment: The p.S1203F variant (also known as c.3608C>T), located in coding exon 31 of the PRKDC gene, results from a C to T substitution at nucleotide position 3608. The serine at codon 1203 is replaced by phenylalanine, an amino acid with highly dissimilar properties. This amino acid position is conserved. In addition, this alteration is predicted to be tolerated by in silico analysis. Since supporting evidence is limited at this time, the clinical significance of this alteration remains unclear.

NM_006904.7(PRKDC):c.3608C>T (p.Ser1203Phe)

Gene: PRKDC (protein kinase, DNA-activated, catalytic subunit; minus strand). Cytogenetic location: 8q11.21.
Variant type: single nucleotide variant.
Coding change: c.3608C>T on transcript NM_006904.7 (MANE Select); coding-DNA position 3608, C replaced by T.
Protein change: p.Ser1203Phe; replaces serine 1203 with phenylalanine.
Molecular consequence: missense variant.
Genome position (GRCh38, 1-based): chr8:47,893,378, G>A on the plus strand (C>T on the coding strand, the complement: PRKDC is on the minus strand). VCF-style: chr8-47893378-G-A. GRCh37 (hg19) VCF-style: chr8-48805938-G-A.
Other names: c.3608C>T, p.Ser1203Phe (NM_001081640.2); short protein forms S1203F.
Identifiers: ClinVar variation 3225839 (VCV003225839.1), dbSNP rs2089506357, ClinGen allele CA371151324.